The following is an entry in ClinVar:

NM_004519.4(KCNQ3):c.1316A>T (p.Asn439Ile)

Gene: KCNQ3 (potassium voltage-gated channel subfamily Q member 3; minus strand). Cytogenetic location: 8q24.22.
Variant type: single nucleotide variant.
Coding change: c.1316A>T on transcript NM_004519.4 (MANE Select); coding-DNA position 1316, A replaced by T.
Protein change: p.Asn439Ile; replaces asparagine 439 with isoleucine.
Molecular consequence: missense variant.
Genome position (GRCh38, 1-based): chr8:132,141,278, T>A on the plus strand (A>T on the coding strand, the complement: KCNQ3 is on the minus strand). VCF-style: chr8-132141278-T-A. GRCh37 (hg19) VCF-style: chr8-133153525-T-A.
Other names: c.956A>T, p.Asn319Ile (NM_001204824.2); short protein forms N319I, N439I.
Identifiers: ClinVar variation 3653540 (VCV003653540.2).

ClinVar aggregate classification (germline): Uncertain significance (1 of 4 stars; one submission).

Conditions:
Benign neonatal seizures. Also called: Benign neonatal familial convulsions; Benign familial neonatal seizures; Benign familial neonatal epilepsy; Convulsions benign familial neonatal dominant form; Autosomal dominant form of benign neonatal seizures. Identifiers: Orphanet 1949, MedGen C0220669, MONDO:0016027.

Submission:

Labcorp Genetics (formerly Invitae), Labcorp
Classification: Uncertain significance for Benign neonatal seizures. Last evaluated: 2024-05-22. Review status: criteria provided, single submitter. Criteria: Invitae Variant Classification Sherloc (09022015). Collection method: clinical testing. Allele origin: germline.
Comment: This sequence change replaces asparagine, which is neutral and polar, with isoleucine, which is neutral and non-polar, at codon 439 of the KCNQ3 protein (p.Asn439Ile). This variant is not present in population databases (gnomAD no frequency). This variant has not been reported in the literature in individuals affected with KCNQ3-related conditions. Advanced modeling of protein sequence and biophysical properties (such as structural, functional, and spatial information, amino acid conservation, physicochemical variation, residue mobility, and thermodynamic stability) performed at Invitae indicates that this missense variant is not expected to disrupt KCNQ3 protein function with a negative predictive value of 80%. In summary, the available evidence is currently insufficient to determine the role of this variant in disease. Therefore, it has been classified as a Variant of Uncertain Significance.